The following is an entry in ClinVar:

ClinVar aggregate classification (germline): Likely benign. Review status: criteria provided, multiple submitters, no conflicts (2 of 4 stars). 2 submissions from 2 submitters: Likely benign (2). Last evaluated 2024-09-02.

Conditions:
Familial sleep-related hypermotor epilepsy. Also called: Autosomal Dominant Sleep-Related Hypermotor (Hyperkinetic) Epilepsy. Identifiers: Orphanet 98784, MedGen C3696898, MONDO:0000030.

Submissions (2):

Labcorp Genetics (formerly Invitae), Labcorp
Classification: Likely benign. Last evaluated: 2024-09-02. Review status: criteria provided, single submitter. Criteria: Invitae Variant Classification Sherloc (09022015). Collection method: clinical testing. Allele origin: germline.

GeneDx
Classification: Likely benign. Last evaluated: 2018-02-22. Review status: criteria provided, single submitter. Criteria: GeneDx Variant Classification (06012015). Collection method: clinical testing. Allele origin: germline. Affected: yes.
Comment: This variant is considered likely benign or benign based on one or more of the following criteria: it is a conservative change, it occurs at a poorly conserved position in the protein, it is predicted to be benign by multiple in silico algorithms, and/or has population frequency not consistent with disease.

NM_000744.7(CHRNA4):c.77-5del

Gene: CHRNA4 (cholinergic receptor nicotinic alpha 4 subunit; minus strand). Cytogenetic location: 20q13.33.
Variant type: Deletion.
Coding change: c.77-5del on transcript NM_000744.7 (MANE Select); 5 bases into the intron before coding-DNA position 77, one base deleted (C; older notation c.77-5delC).
Molecular consequence: intron variant.
Genome position (GRCh38, 1-based): chr20:63,359,704, G deleted on the plus strand (C on the coding strand, the reverse complement: CHRNA4 is on the minus strand); the first of 4 consecutive G bases (chr20:63,359,704-63,359,707); deleting any one gives the same sequence. VCF-style (leftmost placement, unchanged base first): chr20-63359703-CG-C. GRCh37 (hg19) VCF-style: chr20-61991055-CG-C.
Other names: c.-470-5del (NM_001256573.2); c.77-5delC (NM_000744.5).
Identifiers: ClinVar variation 515582 (VCV000515582.12), dbSNP rs1209439525, ClinGen allele CA636613913.